The following is an entry in ClinVar:

ClinVar aggregate classification (germline): Uncertain significance (1 of 4 stars; one submission).

Conditions:
Epidermolysis bullosa simplex 3, localized or generalized intermediate, with BP230 deficiency (EBS3). Also called: Epidermolysis bullosa simplex due to BP230 deficiency; Epidermolysis bullosa simplex, autosomal recessive 2. Identifiers: Orphanet 412181, MedGen C3809470, MONDO:0014180, OMIM 615425.
Hereditary sensory and autonomic neuropathy type 6. Also called: Neuropathy, hereditary sensory and autonomic, type VI; HSAN VI. Identifiers: Orphanet 314381, MedGen C3539003, MONDO:0013839, OMIM 614653.

Allele frequency attached by ClinVar (database versions not stated): gnomAD 0.00001; gnomAD exomes 0.00001; TOPMed 0.00002.
gnomAD v4.1: 12 of 1,613,802 alleles (0.00074%); highest among the groups gnomAD compares: African/African-American, 0.0013%; no homozygotes.

Submission:

Labcorp Genetics (formerly Invitae), Labcorp
Classification: Uncertain significance for Epidermolysis bullosa simplex 3, localized or generalized intermediate, with BP230 deficiency; Hereditary sensory and autonomic neuropathy type 6. Last evaluated: 2019-09-22. Review status: criteria provided, single submitter. Criteria: Invitae Variant Classification Sherloc (09022015). Collection method: clinical testing. Allele origin: germline.
Comment: This sequence change replaces arginine with glycine at codon 1788 of the DST protein (p.Arg1788Gly). The arginine residue is weakly conserved and there is a moderate physicochemical difference between arginine and glycine. This variant is not present in population databases (ExAC no frequency). In summary, the available evidence is currently insufficient to determine the role of this variant in disease. Therefore, it has been classified as a Variant of Uncertain Significance. Algorithms developed to predict the effect of missense changes on protein structure and function are either unavailable or do not agree on the potential impact of this missense change (SIFT: "Deleterious"; PolyPhen-2: "Benign"; Align-GVGD: "Class C45"). This variant has not been reported in the literature in individuals with DST-related conditions.

NM_001723.7(DST):c.5362A>G (p.Arg1788Gly)

Gene: DST (dystonin; minus strand). Cytogenetic location: 6p12.1.
Variant type: single nucleotide variant.
Coding change: c.5362A>G on transcript NM_001723.7 (MANE Plus Clinical); coding-DNA position 5362, A replaced by G.
Protein change: p.Arg1788Gly; replaces arginine 1788 with glycine.
Molecular consequence: missense variant. On other transcripts: intron variant (10).
Genome position (GRCh38, 1-based): chr6:56,618,672, T>C on the plus strand (A>G on the coding strand, the complement: DST is on the minus strand). VCF-style: chr6-56618672-T-C. GRCh37 (hg19) VCF-style: chr6-56483470-T-C.
Other names: c.4831-4188A>G (NM_001144769.5); c.4930-4188A>G (NM_001374722.1, NM_001374736.1); c.4957-4188A>G (NM_001374734.1); c.4417-4188A>G (NM_001144770.2); c.4297-4188A>G (NM_001374730.1, NM_001386100.1, NM_183380.4 and 1 more transcripts); c.3319-4188A>G (NM_015548.5); short protein forms R1788G.
Identifiers: ClinVar variation 960699 (VCV000960699.8), dbSNP rs991356022, ClinGen allele CA139209082.